The following is an entry in ClinVar:

NM_002972.4(SBF1):c.1564G>A (p.Ala522Thr)

Gene: SBF1 (SET binding factor 1; minus strand). Cytogenetic location: 22q13.33.
Variant type: single nucleotide variant.
Coding change: c.1564G>A on transcript NM_002972.4 (MANE Select); coding-DNA position 1564, G replaced by A.
Protein change: p.Ala522Thr; replaces alanine 522 with threonine.
Molecular consequence: missense variant.
Genome position (GRCh38, 1-based): chr22:50,464,606, C>T on the plus strand (G>A on the coding strand, the complement: SBF1 is on the minus strand). VCF-style: chr22-50464606-C-T. GRCh37 (hg19) VCF-style: chr22-50903035-C-T.
Other names: c.1567G>A, p.Ala523Thr (NM_001365819.1); c.1564G>A (NM_002972.2); short protein forms A523T, A522T.
Identifiers: ClinVar variation 1444635 (VCV001444635.7), dbSNP rs750411731, ClinGen allele CA325534342.

ClinVar aggregate classification (germline): Uncertain significance. Review status: criteria provided, multiple submitters, no conflicts (2 of 4 stars). 2 submissions from 2 submitters: Uncertain significance (2). Last evaluated 2025-08-31.

Allele frequency attached by ClinVar (database versions not stated): TOPMed below 0.00001; gnomAD exomes 0.00001.
gnomAD v4.1: 15 of 1,611,708 alleles (0.00093%); highest among the groups gnomAD compares: Non-Finnish European, 0.0013%; no homozygotes.

Submissions (2):

Ambry Genetics
Classification: Uncertain significance. Last evaluated: 2025-08-31. Review status: criteria provided, single submitter. Criteria: Ambry Variant Classification Scheme 2023. Collection method: clinical testing. Allele origin: germline.

Labcorp Genetics (formerly Invitae), Labcorp
Classification: Uncertain significance. Last evaluated: 2021-05-03. Review status: criteria provided, single submitter. Criteria: Invitae Variant Classification Sherloc (09022015). Collection method: clinical testing. Allele origin: germline.
Comment: In summary, the available evidence is currently insufficient to determine the role of this variant in disease. Therefore, it has been classified as a Variant of Uncertain Significance. Algorithms developed to predict the effect of missense changes on protein structure and function are either unavailable or do not agree on the potential impact of this missense change (SIFT: "Tolerated"; PolyPhen-2: "Probably Damaging"; Align-GVGD: "Class C0"). This variant has not been reported in the literature in individuals with SBF1-related conditions. This variant is not present in population databases (ExAC no frequency). This sequence change replaces alanine with threonine at codon 522 of the SBF1 protein (p.Ala522Thr). The alanine residue is moderately conserved and there is a small physicochemical difference between alanine and threonine.